The following is an entry in ClinVar:

NM_015215.4(CAMTA1):c.5020T>G (p.Ter1674Gly)

Gene: CAMTA1 (calmodulin binding transcription activator 1; plus strand). Cytogenetic location: 1p36.23.
Variant type: single nucleotide variant.
Coding change: c.5020T>G on transcript NM_015215.4 (MANE Select); coding-DNA position 5020, T replaced by G.
Protein change: p.Ter1674Gly.
Molecular consequence: stop lost. On other transcripts: synonymous variant (10).
Genome position (GRCh38, 1-based): chr1:7,766,489, T>G. VCF-style: chr1-7766489-T-G. GRCh37 (hg19) VCF-style: chr1-7826549-T-G.
Other names: c.4930T>G, p.Ter1644Gly (NM_001349608.2); c.4671T>G, p.Leu1557= (NM_001349609.2); c.4696T>G, p.Ter1566Gly (NM_001349610.2); c.4612T>G, p.Ter1538Gly (NM_001349612.2); c.2118T>G, p.Leu706= (NM_001349613.1); c.2082T>G, p.Leu694= (NM_001349614.1, NM_001349615.2); c.2113T>G, p.Ter705Gly (NM_001349616.2); c.2092T>G, p.Ter698Gly (NM_001349617.1, NM_001349618.2); and 6 more.
Identifiers: ClinVar variation 3897335 (VCV003897335.1).

ClinVar aggregate classification (germline): Uncertain significance (1 of 4 stars; one submission).

Submission:

GeneDx
Classification: Uncertain significance. Last evaluated: 2024-10-31. Review status: criteria provided, single submitter. Criteria: GeneDx Variant Classification Process June 2021. Collection method: clinical testing. Allele origin: germline. Affected: yes.
Comment: Not observed at significant frequency in large population cohorts (gnomAD); Stop codon loss and change to a glycine codon, leading to protein extension and the addition of 133 amino acid(s) at the C-terminus; Has not been previously published as pathogenic or benign to our knowledge